The following is an entry in ClinVar:

ClinVar aggregate classification (germline): Uncertain significance. Review status: criteria provided, multiple submitters, no conflicts (2 of 4 stars). 3 submissions from 3 submitters: Uncertain significance (3). Last evaluated 2024-04-08.

Conditions:
Joubert syndrome 9 (JBTS9). Identifiers: Orphanet 2318, MedGen C2676788, MONDO:0012849, OMIM 612285.
COACH syndrome 2. Identifiers: MedGen C5436837, MONDO:0030859, OMIM 619111.
Meckel syndrome, type 6. Identifiers: Orphanet 564, MedGen C2676790, MONDO:0012848, OMIM 612284.
Retinitis pigmentosa 93. Identifiers: MedGen C5676970, MONDO:0030797, OMIM 619845.

Allele frequency attached by ClinVar (database versions not stated): gnomAD exomes below 0.00001 and 0.00006; gnomAD 0.00001.
gnomAD v4.1: 90 of 1,607,022 alleles (0.0056%); highest among the groups gnomAD compares: Non-Finnish European, 0.0075%; no homozygotes.

Submissions (3):

Fulgent Genetics
Classification: Uncertain significance for Meckel syndrome, type 6; Joubert syndrome 9; COACH syndrome 2; Retinitis pigmentosa 93. Last evaluated: 2024-04-08. Review status: criteria provided, single submitter. Criteria: ACMG Guidelines, 2015. Collection method: clinical testing. Allele origin: germline.

GeneDx
Classification: Uncertain significance. Last evaluated: 2023-02-02. Review status: criteria provided, single submitter. Criteria: GeneDx Variant Classification Process June 2021. Collection method: clinical testing. Allele origin: germline. Affected: yes.
Comment: Not observed at significant frequency in large population cohorts (gnomAD); In silico analysis supports that this missense variant does not alter protein structure/function; Has not been previously published as pathogenic or benign to our knowledge

Eurofins Ntd Llc (ga)
Classification: Uncertain significance. Last evaluated: 2016-06-21. Review status: criteria provided, single submitter. Criteria: EGL Classification Definitions 2015. Collection method: clinical testing. Allele origin: germline. Observed: 1 variant allele.

NM_001378615.1(CC2D2A):c.274A>G (p.Arg92Gly)

Genes: CC2D2A (coiled-coil and C2 domain containing 2A; plus strand), FBXL5 (F-box and leucine rich repeat protein 5; minus strand). Cytogenetic location: 4p15.32.
Variant type: single nucleotide variant.
Coding change: c.274A>G on transcript NM_001378615.1 (MANE Select); coding-DNA position 274, A replaced by G.
Protein change: p.Arg92Gly; replaces arginine 92 with glycine.
Molecular consequence: missense variant.
Genome position (GRCh38, 1-based): chr4:15,502,455, A>G. VCF-style: chr4-15502455-A-G. GRCh37 (hg19) VCF-style: chr4-15504078-A-G.
Other names: c.274A>G, p.Arg92Gly (NM_001080522.2); c.127A>G, p.Arg43Gly (NM_001378617.1); short protein forms R92G, R43G.
Identifiers: ClinVar variation 288344 (VCV000288344.7), dbSNP rs886043867, ClinGen allele CA10606053.